The following is an entry in ClinVar:

ClinVar aggregate classification (germline): Uncertain significance (1 of 4 stars; one submission).

Conditions:
EGFR-related lung cancer (EGFR). Identifiers: MedGen CN130014.

Submission:

Labcorp Genetics (formerly Invitae), Labcorp
Classification: Uncertain significance for EGFR-related lung cancer. Last evaluated: 2023-08-24. Review status: criteria provided, single submitter. Criteria: Invitae Variant Classification Sherloc (09022015). Collection method: clinical testing. Allele origin: germline.
Comment: This variant has not been reported in the literature in individuals affected with EGFR-related conditions. In summary, the available evidence is currently insufficient to determine the role of this variant in disease. Therefore, it has been classified as a Variant of Uncertain Significance. Algorithms developed to predict the effect of missense changes on protein structure and function output the following: SIFT: "Not Available"; PolyPhen-2: "Benign"; Align-GVGD: "Not Available". The aspartic acid amino acid residue is found in multiple mammalian species, which suggests that this missense change does not adversely affect protein function. This variant is not present in population databases (gnomAD no frequency). This sequence change replaces glycine, which is neutral and non-polar, with aspartic acid, which is acidic and polar, at codon 635 of the EGFR protein (p.Gly635Asp).

NM_005228.5(EGFR):c.1904G>A (p.Gly635Asp)

Gene: EGFR (epidermal growth factor receptor; plus strand). Cytogenetic location: 7p11.2.
Variant type: single nucleotide variant.
Coding change: c.1904G>A on transcript NM_005228.5 (MANE Select); coding-DNA position 1904, G replaced by A.
Protein change: p.Gly635Asp; replaces glycine 635 with aspartic acid.
Molecular consequence: missense variant.
Genome position (GRCh38, 1-based): chr7:55,171,198, G>A. VCF-style: chr7-55171198-G-A. GRCh37 (hg19) VCF-style: chr7-55238891-G-A.
Other names: c.1769G>A, p.Gly590Asp (NM_001346897.2, NM_001346899.2); c.1904G>A, p.Gly635Asp (NM_001346898.2); c.1745G>A, p.Gly582Asp (NM_001346900.2); c.1103G>A, p.Gly368Asp (NM_001346941.2); short protein forms G582D, G590D, G635D, G368D.
Identifiers: ClinVar variation 2900695 (VCV002900695.3), dbSNP rs2128951391, ClinGen allele CA367582286.